The following is an entry in ClinVar:

ClinVar aggregate classification (germline): Uncertain significance (1 of 4 stars; one submission).

Conditions:
Noonan syndrome 9 (NS9). Identifiers: Orphanet 648, MedGen C4225282, MONDO:0014691, OMIM 616559.

Submission:

Labcorp Genetics (formerly Invitae), Labcorp
Classification: Uncertain significance for Noonan syndrome 9. Last evaluated: 2019-04-24. Review status: criteria provided, single submitter. Criteria: Invitae Variant Classification Sherloc (09022015). Collection method: clinical testing. Allele origin: germline.
Comment: This sequence change replaces lysine with glutamic acid at codon 634 of the SOS2 protein (p.Lys634Glu). The lysine residue is moderately conserved and there is a small physicochemical difference between lysine and glutamic acid. This variant is not present in population databases (ExAC no frequency). This variant has not been reported in the literature in individuals with SOS2-related conditions. Algorithms developed to predict the effect of missense changes on protein structure and function (SIFT, PolyPhen-2, Align-GVGD) all suggest that this variant is likely to be tolerated, but these predictions have not been confirmed by published functional studies and their clinical significance is uncertain. In summary, the available evidence is currently insufficient to determine the role of this variant in disease. Therefore, it has been classified as a Variant of Uncertain Significance.

NM_006939.4(SOS2):c.1900A>G (p.Lys634Glu)

Gene: SOS2 (SOS Ras/Rho guanine nucleotide exchange factor 2; minus strand). Cytogenetic location: 14q21.3.
Variant type: single nucleotide variant.
Coding change: c.1900A>G on transcript NM_006939.4 (MANE Select); coding-DNA position 1900, A replaced by G.
Protein change: p.Lys634Glu; replaces lysine 634 with glutamic acid.
Molecular consequence: missense variant.
Genome position (GRCh38, 1-based): chr14:50,158,599, T>C on the plus strand (A>G on the coding strand, the complement: SOS2 is on the minus strand). VCF-style: chr14-50158599-T-C. GRCh37 (hg19) VCF-style: chr14-50625317-T-C.
Other names: short protein forms K634E.
Identifiers: ClinVar variation 949431 (VCV000949431.9), dbSNP rs1884893175, ClinGen allele CA389644704.